The following is an entry in ClinVar:

ClinVar aggregate classification (germline): Benign/Likely benign. Review status: criteria provided, multiple submitters, no conflicts (2 of 4 stars). 4 submissions from 4 submitters: Benign (3); Likely benign (1). Last evaluated 2026-01-26.

Conditions:
Alacrima, achalasia, and impaired intellectual development syndrome. Also called: Alacrima, achalasia, and mental retardation syndrome; Alacrima, achalasia, and intellectual disability syndrome. Identifiers: Orphanet 869, MedGen C4706563, MONDO:0014219, OMIM 615510.

Allele frequency attached by ClinVar (database versions not stated): TOPMed 0.00804; gnomAD exomes 0.01229 and 0.01435; 1000 Genomes Project 30x 0.00390; gnomAD 0.01183 and 0.01225; 1000 Genomes Project 0.00399; ESP Exome Variant Server 0.01123; ExAC 0.01271.

Submissions (4):

Labcorp Genetics (formerly Invitae), Labcorp
Classification: Benign for Alacrima, achalasia, and impaired intellectual development syndrome. Last evaluated: 2026-01-26. Review status: criteria provided, single submitter. Criteria: Invitae Variant Classification Sherloc (09022015). Collection method: clinical testing. Allele origin: germline.

Fulgent Genetics
Classification: Likely benign for Alacrima, achalasia, and impaired intellectual development syndrome. Last evaluated: 2021-11-16. Review status: criteria provided, single submitter. Criteria: ACMG Guidelines, 2015. Collection method: clinical testing. Allele origin: unknown.

GeneDx
Classification: Benign. Last evaluated: 2016-08-29. Review status: criteria provided, single submitter. Criteria: GeneDx Variant Classification (06012015). Collection method: clinical testing. Allele origin: germline. Affected: yes.
Comment: This variant is considered likely benign or benign based on one or more of the following criteria: it is a conservative change, it occurs at a poorly conserved position in the protein, it is predicted to be benign by multiple in silico algorithms, and/or has population frequency not consistent with disease.

Breakthrough Genomics
Classification: Benign. Review status: criteria provided, single submitter. Criteria: ACMG Guidelines, 2015. Collection method: not provided. Allele origin: germline. Inheritance: Autosomal recessive inheritance. Affected: yes.

NM_013335.4(GMPPA):c.213C>T (p.Ala71=)

Genes: ASIC4-AS1 (ASIC4 antisense RNA 1; minus strand), GMPPA (GDP-mannose pyrophosphorylase A; plus strand). Cytogenetic location: 2q35.
Variant type: single nucleotide variant.
Coding change: c.213C>T on transcript NM_013335.4 (MANE Select); coding-DNA position 213, C replaced by T.
Protein change: p.Ala71=; no amino-acid change (alanine 71 retained).
Molecular consequence: synonymous variant.
Genome position (GRCh38, 1-based): chr2:219,501,550, C>T. VCF-style: chr2-219501550-C-T. GRCh37 (hg19) VCF-style: chr2-220366272-C-T.
Other names: c.213C>T, p.Ala71= (NM_205847.3).
Identifiers: ClinVar variation 382083 (VCV000382083.12), dbSNP rs41272703, ClinGen allele CA2128062.